The following is an entry in ClinVar:

NM_001111125.3(IQSEC2):c.1553T>C (p.Leu518Pro)

Gene: IQSEC2 (IQ motif and Sec7 domain ArfGEF 2; minus strand). Cytogenetic location: Xp11.22.
Variant type: single nucleotide variant.
Coding change: c.1553T>C on transcript NM_001111125.3 (MANE Select); coding-DNA position 1553, T replaced by C.
Protein change: p.Leu518Pro; replaces leucine 518 with proline.
Molecular consequence: missense variant.
Genome position (GRCh38, 1-based): chrX:53,251,023, A>G on the plus strand (T>C on the coding strand, the complement: IQSEC2 is on the minus strand). VCF-style: chrX-53251023-A-G. GRCh37 (hg19) VCF-style: chrX-53280205-A-G.
Other names: c.1553T>C (NM_001111125.1); c.938T>C, p.Leu313Pro (NM_015075.2); short protein forms L313P, L518P.
Identifiers: ClinVar variation 1685308 (VCV001685308.5), dbSNP rs987032967, ClinGen allele CA329166293.

ClinVar aggregate classification (germline): Conflicting classifications of pathogenicity. Review status: criteria provided, conflicting classifications (1 of 4 stars). 4 submissions from 4 submitters: Uncertain significance (3); Benign (1). Last evaluated 2026-04-24.

Conditions:
Intellectual developmental disorder, X-linked 1. Also called: MENTAL RETARDATION, X-LINKED 18; MENTAL RETARDATION, X-LINKED 78; Intellectual disability, X-linked 1; Atkin Flaitz Patil Smith syndrome. Identifiers: Orphanet 777, MedGen C2931498, MONDO:0010656, OMIM 309530.

Submissions (4):

GeneDx
Classification: Uncertain significance. Last evaluated: 2026-04-24. Review status: criteria provided, single submitter. Criteria: GeneDx Variant Classification Process June 2021. Collection method: clinical testing. Allele origin: germline.
Comment: Not observed at significant frequency in large population cohorts (gnomAD); In silico analysis supports that this missense variant has a deleterious effect on protein structure/function; Has not been previously published as pathogenic or benign to our knowledge

Labcorp Genetics (formerly Invitae), Labcorp
Classification: Uncertain significance for Intellectual developmental disorder, X-linked 1. Last evaluated: 2026-01-28. Review status: criteria provided, single submitter. Criteria: Invitae Variant Classification Sherloc (09022015). Collection method: clinical testing. Allele origin: germline.
Comment: This sequence change replaces leucine, which is neutral and non-polar, with proline, which is neutral and non-polar, at codon 518 of the IQSEC2 protein (p.Leu518Pro). This variant is not present in population databases (gnomAD no frequency). This variant has not been reported in the literature in individuals affected with IQSEC2-related conditions. ClinVar contains an entry for this variant (Variation ID: 1685308). Invitae Evidence Modeling of protein sequence and biophysical properties (such as structural, functional, and spatial information, amino acid conservation, physicochemical variation, residue mobility, and thermodynamic stability) indicates that this missense variant is expected to disrupt IQSEC2 protein function with a positive predictive value of 95%. In summary, the available evidence is currently insufficient to determine the role of this variant in disease. Therefore, it has been classified as a Variant of Uncertain Significance.

Mendelics
Classification: Benign. Last evaluated: 2022-05-04. Review status: criteria provided, single submitter. Criteria: Mendelics Assertion Criteria 2019. Collection method: clinical testing. Allele origin: germline.

Laboratorio de Genetica e Diagnostico Molecular, Hospital Israelita Albert Einstein
Classification: Uncertain significance. Last evaluated: 2020-04-23. Review status: criteria provided, single submitter. Criteria: ACMG Guidelines, 2015. Collection method: clinical testing. Allele origin: germline. Affected: yes.
Comment: ACMG classification criteria: PM2, BP4